The following is an entry in ClinVar:

NM_000079.4(CHRNA1):c.1266T>A (p.Val422=)

Gene: CHRNA1 (cholinergic receptor nicotinic alpha 1 subunit; minus strand). Cytogenetic location: 2q31.1.
Variant type: single nucleotide variant.
Coding change: c.1266T>A on transcript NM_000079.4 (MANE Select); coding-DNA position 1266, T replaced by A.
Protein change: p.Val422=; no amino-acid change (valine 422 retained).
Molecular consequence: synonymous variant.
Genome position (GRCh38, 1-based): chr2:174,748,232, A>T on the plus strand (T>A on the coding strand, the complement: CHRNA1 is on the minus strand). VCF-style: chr2-174748232-A-T. GRCh37 (hg19) VCF-style: chr2-175612960-A-T.
Other names: c.1341T>A, p.Val447= (NM_001039523.3).
Identifiers: ClinVar variation 1034044 (VCV001034044.1), dbSNP rs764451540, ClinGen allele CA430021814.
Genomic context (GRCh38, chr2:174,748,232, plus strand): 5'-GGTTCCGATGATGCAAACAAGCATGAAGACTCCGAGGAGTATGTGGTCCATCACCATTGC[A>T]ACGTACTTCCACTCTGCCGCCGCCTGGGAGAGAGGAAAATGTTAGACAGAGTCTCCCTAA-3'
Protein context (NP_000070.1, residues 412-432): SNNAAAEWKY[Val422=]AMVMDHILLG

ClinVar aggregate classification (germline): Uncertain significance (1 of 4 stars; one submission).

Conditions:
Lethal multiple pterygium syndrome (LMPS). Identifiers: Orphanet 33108, MedGen C1854678, MONDO:0009668, OMIM 253290.

Submission:

Baylor Genetics
Classification: Uncertain significance for Lethal multiple pterygium syndrome. Last evaluated: 2018-05-22. Review status: criteria provided, single submitter. Criteria: ACMG Guidelines, 2015. Collection method: clinical testing. Allele origin: paternal. Affected: yes.
Comment: This variant was determined to be of uncertain significance according to ACMG Guidelines, 2015 [PMID:25741868].